The following is an entry in ClinVar:

NM_001458.5(FLNC):c.3023G>T (p.Arg1008Leu)

Gene: FLNC (filamin C; plus strand). Cytogenetic location: 7q32.1.
Variant type: single nucleotide variant.
Coding change: c.3023G>T on transcript NM_001458.5 (MANE Select); coding-DNA position 3023, G replaced by T.
Protein change: p.Arg1008Leu; replaces arginine 1008 with leucine.
Molecular consequence: missense variant.
Genome position (GRCh38, 1-based): chr7:128,844,097, G>T. VCF-style: chr7-128844097-G-T. GRCh37 (hg19) VCF-style: chr7-128484151-G-T.
Other names: c.3023G>T, p.Arg1008Leu (NM_001127487.2); short protein forms R1008L.
Identifiers: ClinVar variation 1719082 (VCV001719082.6), dbSNP rs777492254, ClinGen allele CA369193994.
Genomic context (GRCh38, chr7:128,844,097, plus strand): 5'-TGAACACACGAGGGGCTGGCGGTCAGGGCCAACTGGATGTGCGGATGACTTCGCCCTCTC[G>T]CCGGCCCATCCCCTGCAAGCTGGAGCCAGGCGGTGGAGCGGAAGCCCAGGCTGTGCGCTA-3'
Protein context (NP_001449.3, residues 998-1018): QLDVRMTSPS[Arg1008Leu]RPIPCKLEPG

ClinVar aggregate classification (germline): Uncertain significance (1 of 4 stars; one submission).

Conditions:
Myofibrillar myopathy 5. Also called: Filaminopathy (type); FILAMINOPATHY, AUTOSOMAL DOMINANT. Identifiers: Orphanet 171445, MedGen C1836050, MONDO:0012289, OMIM 609524.
Distal myopathy with posterior leg and anterior hand involvement. Also called: WILLIAMS DISTAL MYOPATHY. Identifiers: Orphanet 63273, MedGen C3279722, MONDO:0013550, OMIM 614065.
Hypertrophic cardiomyopathy 26. Also called: Cardiomyopathy, familial hypertrophic, 26. Identifiers: Orphanet 75249, MedGen C4310749, MONDO:0014883, OMIM 617047.

Submission:

Labcorp Genetics (formerly Invitae), Labcorp
Classification: Uncertain significance for Distal myopathy with posterior leg and anterior hand involvement; Myofibrillar myopathy 5; Hypertrophic cardiomyopathy 26. Last evaluated: 2022-09-09. Review status: criteria provided, single submitter. Criteria: Invitae Variant Classification Sherloc (09022015). Collection method: clinical testing. Allele origin: germline.
Comment: This sequence change replaces arginine, which is basic and polar, with leucine, which is neutral and non-polar, at codon 1008 of the FLNC protein (p.Arg1008Leu). This variant is not present in population databases (gnomAD no frequency). In summary, the available evidence is currently insufficient to determine the role of this variant in disease. Therefore, it has been classified as a Variant of Uncertain Significance. Algorithms developed to predict the effect of sequence changes on RNA splicing suggest that this variant may create or strengthen a splice site. Advanced modeling of protein sequence and biophysical properties (such as structural, functional, and spatial information, amino acid conservation, physicochemical variation, residue mobility, and thermodynamic stability) has been performed at Invitae for this missense variant, however the output from this modeling did not meet the statistical confidence thresholds required to predict the impact of this variant on FLNC protein function. This variant has not been reported in the literature in individuals affected with FLNC-related conditions.